The following is an entry in ClinVar:

NM_000174.5(GP9):c.445T>C (p.Leu149=)

Gene: GP9 (glycoprotein IX platelet; plus strand). Cytogenetic location: 3q21.3.
Variant type: single nucleotide variant.
Coding change: c.445T>C on transcript NM_000174.5 (MANE Select); coding-DNA position 445, T replaced by C.
Protein change: p.Leu149=; no amino-acid change (leucine 149 retained).
Molecular consequence: synonymous variant.
Genome position (GRCh38, 1-based): chr3:129,062,184, T>C. VCF-style: chr3-129062184-T-C. GRCh37 (hg19) VCF-style: chr3-128781027-T-C.
Identifiers: ClinVar variation 721252 (VCV000721252.15), dbSNP rs144345517, ClinGen allele CA2602716.

ClinVar aggregate classification (germline): Benign. Review status: criteria provided, multiple submitters, no conflicts (2 of 4 stars). 3 submissions from 3 submitters: Benign (3). Last evaluated 2026-01-22.

Conditions:
Bernard Soulier syndrome (BSS). Also called: BLEEDING DISORDER, PLATELET-TYPE, 1; Giant platelet syndrome; Hemorrhagiparous thrombocytic dystrophy; Giant platelet disease; PLATELET GLYCOPROTEIN Ib DEFICIENCY; VON WILLEBRAND FACTOR RECEPTOR DEFICIENCY. Identifiers: Orphanet 274, MedGen C0005129, MeSH D001606, MONDO:0009276, OMIM 231200.

Allele frequency attached by ClinVar (database versions not stated): gnomAD 0.00041 and 0.00060; gnomAD exomes 0.00051 and 0.00150; TOPMed 0.00082; ExAC 0.00202; 1000 Genomes Project 30x 0.00344; 1000 Genomes Project 0.00359.
gnomAD v4.1: 825 of 1,574,386 alleles (0.052%); highest among the groups gnomAD compares: East Asian, 1.7%; 12 homozygotes.

Submissions (3):

Labcorp Genetics (formerly Invitae), Labcorp
Classification: Benign. Last evaluated: 2026-01-22. Review status: criteria provided, single submitter. Criteria: Invitae Variant Classification Sherloc (09022015). Collection method: clinical testing. Allele origin: germline.

Illumina Laboratory Services, Illumina
Classification: Benign for Bernard Soulier syndrome. Last evaluated: 2018-01-13. Review status: criteria provided, single submitter. Criteria: ICSL Variant Classification Criteria 13 December 2019. Collection method: clinical testing. Allele origin: germline.
Comment: This variant was observed in the ICSL laboratory as part of a predisposition screen in an ostensibly healthy population. It had not been previously curated by ICSL or reported in the Human Gene Mutation Database (HGMD: prior to June 1st, 2018), and was therefore a candidate for classification through an automated scoring system. Utilizing variant allele frequency, disease prevalence and penetrance estimates, and inheritance mode, an automated score was calculated to assess if this variant is too frequent to cause the disease. Based on the score and internal cut-off values, a variant classified as benign is not then subjected to further curation. The score for this variant resulted in a classification of benign for this disease.

Breakthrough Genomics
Classification: Benign. Review status: criteria provided, single submitter. Criteria: ACMG Guidelines, 2015. Collection method: not provided. Allele origin: germline. Inheritance: Autosomal recessive inheritance. Affected: yes.